The following is an entry in ClinVar:

NM_019074.4(DLL4):c.507C>T (p.Tyr169=)

Gene: DLL4 (delta like canonical Notch ligand 4; plus strand). Cytogenetic location: 15q15.1.
Variant type: single nucleotide variant.
Coding change: c.507C>T on transcript NM_019074.4 (MANE Select); coding-DNA position 507, C replaced by T.
Protein change: p.Tyr169=; no amino-acid change (tyrosine 169 retained).
Molecular consequence: synonymous variant.
Genome position (GRCh38, 1-based): chr15:40,931,615, C>T. VCF-style: chr15-40931615-C-T. GRCh37 (hg19) VCF-style: chr15-41223813-C-T.
Identifiers: ClinVar variation 2844816 (VCV002844816.3), dbSNP rs2542544028, ClinGen allele CA489781730.

ClinVar aggregate classification (germline): Uncertain significance (1 of 4 stars; one submission).

Submission:

Labcorp Genetics (formerly Invitae), Labcorp
Classification: Uncertain significance. Last evaluated: 2023-03-10. Review status: criteria provided, single submitter. Criteria: Invitae Variant Classification Sherloc (09022015). Collection method: clinical testing. Allele origin: germline.
Comment: In summary, the available evidence is currently insufficient to determine the role of this variant in disease. Therefore, it has been classified as a Variant of Uncertain Significance. Algorithms developed to predict the effect of sequence changes on RNA splicing suggest that this variant may create or strengthen a splice site. This variant has not been reported in the literature in individuals affected with DLL4-related conditions. This variant is not present in population databases (gnomAD no frequency). This sequence change affects codon 169 of the DLL4 mRNA. It is a 'silent' change, meaning that it does not change the encoded amino acid sequence of the DLL4 protein.